The following is an entry in ClinVar:

NM_003849.4(SUCLG1):c.97+13A>G

Gene: SUCLG1 (succinate-CoA ligase GDP/ADP-forming subunit alpha; minus strand). Cytogenetic location: 2p11.2.
Variant type: single nucleotide variant.
Coding change: c.97+13A>G on transcript NM_003849.4 (MANE Select); 13 bases into the intron after coding-DNA position 97, A replaced by G.
Molecular consequence: intron variant.
Genome position (GRCh38, 1-based): chr2:84,459,160, T>C on the plus strand (A>G on the coding strand, the complement: SUCLG1 is on the minus strand). VCF-style: chr2-84459160-T-C. GRCh37 (hg19) VCF-style: chr2-84686284-T-C.
Identifiers: ClinVar variation 2194780 (VCV002194780.4), dbSNP rs919816514, ClinGen allele CA52257080.

ClinVar aggregate classification (germline): Uncertain significance (1 of 4 stars; one submission).

Conditions:
Mitochondrial DNA depletion syndrome 9 (MTDPS9). Also called: SUCLG1-Related Mitochondrial DNA Depletion Syndrome, Encephalomyopathic Form with Methylmalonic Aciduria. Identifiers: Orphanet 17, MedGen C3151476, MONDO:0009504, OMIM 245400.

Allele frequency attached by ClinVar (database versions not stated): gnomAD exomes below 0.00001; gnomAD 0.00002.
gnomAD v4.1: 8 of 1,548,314 alleles (0.00052%); highest among the groups gnomAD compares: Middle Eastern, 0.017%; no homozygotes.

Submission:

Labcorp Genetics (formerly Invitae), Labcorp
Classification: Uncertain significance for Mitochondrial DNA depletion syndrome 9. Last evaluated: 2022-03-04. Review status: criteria provided, single submitter. Criteria: Invitae Variant Classification Sherloc (09022015). Collection method: clinical testing. Allele origin: germline.
Comment: This sequence change falls in intron 1 of the SUCLG1 gene. It does not directly change the encoded amino acid sequence of the SUCLG1 protein. This variant is not present in population databases (gnomAD no frequency). This variant has not been reported in the literature in individuals affected with SUCLG1-related conditions. Algorithms developed to predict the effect of sequence changes on RNA splicing suggest that this variant may create or strengthen a splice site. In summary, the available evidence is currently insufficient to determine the role of this variant in disease. Therefore, it has been classified as a Variant of Uncertain Significance.